The following is an entry in ClinVar:

NM_000245.4(MET):c.2487A>T (p.Lys829Asn)

Gene: MET (MET proto-oncogene, receptor tyrosine kinase; plus strand). Cytogenetic location: 7q31.2.
Variant type: single nucleotide variant.
Coding change: c.2487A>T on transcript NM_000245.4 (MANE Select); coding-DNA position 2487, A replaced by T.
Protein change: p.Lys829Asn; replaces lysine 829 with asparagine.
Molecular consequence: missense variant.
Genome position (GRCh38, 1-based): chr7:116,763,172, A>T. VCF-style: chr7-116763172-A-T. GRCh37 (hg19) VCF-style: chr7-116403226-A-T.
Other names: c.2541A>T, p.Lys847Asn (NM_001127500.3); c.2487A>T, p.Lys829Asn (NM_001324401.3); c.1197A>T, p.Lys399Asn (NM_001324402.2); short protein forms K847N, K829N, K399N.
Identifiers: ClinVar variation 2919540 (VCV002919540.4), dbSNP rs1246094460, ClinGen allele CA368983384.
Genomic context (GRCh38, chr7:116,763,172, plus strand): 5'-GAATCTGCAACTCCCCCTGAAAACCAAAGCCTTTTTCATGTTAGATGGGATCCTTTCCAA[A>T]TACTTTGATCTCATTTATGTACATAATCCTGTGTTTAAGCCTTTTGAAAAGCCAGTGATG-3'
Protein context (NP_000236.2, residues 819-839): AFFMLDGILS[Lys829Asn]YFDLIYVHNP

ClinVar aggregate classification (germline): Conflicting classifications of pathogenicity. Review status: criteria provided, conflicting classifications (1 of 4 stars). 2 submissions from 2 submitters: Uncertain significance (1); Likely benign (1). Last evaluated 2025-06-09.

Conditions:
Renal cell carcinoma. Identifiers: Orphanet 217071, MedGen C0007134, MeSH D002292, MONDO:0005086, HP:0005584.
Hereditary cancer-predisposing syndrome. Also called: Neoplastic Syndromes, Hereditary; Hereditary Cancer Syndrome; Tumor predisposition; Hereditary neoplastic syndrome. Identifiers: Orphanet 140162, MedGen C0027672, MeSH D009386, MONDO:0015356.

Allele frequency attached by ClinVar (database versions not stated): gnomAD exomes 0.00001.
gnomAD v4.1: 4 of 1,614,084 alleles (0.00025%); highest among the groups gnomAD compares: Admixed American, 0.0067%; no homozygotes.

Submissions (2):

Labcorp Genetics (formerly Invitae), Labcorp
Classification: Uncertain significance for Renal cell carcinoma. Last evaluated: 2025-06-09. Review status: criteria provided, single submitter. Criteria: Invitae Variant Classification Sherloc (09022015). Collection method: clinical testing. Allele origin: germline.
Comment: This sequence change replaces lysine, which is basic and polar, with asparagine, which is neutral and polar, at codon 847 of the MET protein (p.Lys847Asn). This variant is present in population databases (no rsID available, gnomAD 0.009%). This variant has not been reported in the literature in individuals affected with MET-related conditions. ClinVar contains an entry for this variant (Variation ID: 2919540). An algorithm developed to predict the effect of missense changes on protein structure and function outputs the following: PolyPhen-2: "Benign". The asparagine amino acid residue is found in multiple mammalian species, which suggests that this missense change does not adversely affect protein function. In summary, the available evidence is currently insufficient to determine the role of this variant in disease. Therefore, it has been classified as a Variant of Uncertain Significance.

Ambry Genetics
Classification: Likely benign for Hereditary cancer-predisposing syndrome. Last evaluated: 2024-09-15. Review status: criteria provided, single submitter. Criteria: Ambry Variant Classification Scheme 2023. Collection method: clinical testing. Allele origin: germline.